The following is an entry in ClinVar:

ClinVar aggregate classification (germline): Uncertain significance (1 of 4 stars; one submission).

Allele frequency attached by ClinVar (database versions not stated): gnomAD 0.00001; gnomAD exomes 0.00001; TOPMed 0.00001.
gnomAD v4.1: 9 of 1,501,220 alleles (0.0006%); highest among the groups gnomAD compares: Admixed American, 0.0022%; no homozygotes.

Submission:

Labcorp Genetics (formerly Invitae), Labcorp
Classification: Uncertain significance. Last evaluated: 2023-09-17. Review status: criteria provided, single submitter. Criteria: Invitae Variant Classification Sherloc (09022015). Collection method: clinical testing. Allele origin: germline.
Comment: In summary, the available evidence is currently insufficient to determine the role of this variant in disease. Therefore, it has been classified as a Variant of Uncertain Significance. This sequence change replaces alanine, which is neutral and non-polar, with valine, which is neutral and non-polar, at codon 256 of the IRF2BP2 protein (p.Ala256Val). The frequency data for this variant in the population databases is considered unreliable, as metrics indicate poor data quality at this position in the gnomAD database. This variant has not been reported in the literature in individuals affected with IRF2BP2-related conditions. ClinVar contains an entry for this variant (Variation ID: 1961511). An algorithm developed to predict the effect of missense changes on protein structure and function (PolyPhen-2) suggests that this variant is likely to be tolerated.

NM_182972.3(IRF2BP2):c.767C>T (p.Ala256Val)

Gene: IRF2BP2 (interferon regulatory factor 2 binding protein 2; minus strand). Cytogenetic location: 1q42.3.
Variant type: single nucleotide variant.
Coding change: c.767C>T on transcript NM_182972.3 (MANE Select); coding-DNA position 767, C replaced by T.
Protein change: p.Ala256Val; replaces alanine 256 with valine.
Molecular consequence: missense variant.
Genome position (GRCh38, 1-based): chr1:234,608,728, G>A on the plus strand (C>T on the coding strand, the complement: IRF2BP2 is on the minus strand). VCF-style: chr1-234608728-G-A. GRCh37 (hg19) VCF-style: chr1-234744474-G-A.
Other names: c.767C>T, p.Ala256Val (NM_001077397.1); short protein forms A256V.
Identifiers: ClinVar variation 1961511 (VCV001961511.5), dbSNP rs1199061208, ClinGen allele CA345308572.